The following is an entry in ClinVar:

NM_004944.4(DNASE1L3):c.244G>C (p.Gly82Arg)

Gene: DNASE1L3 (deoxyribonuclease 1L3; minus strand). Cytogenetic location: 3p14.3.
Variant type: single nucleotide variant.
Coding change: c.244G>C on transcript NM_004944.4 (MANE Select); coding-DNA position 244, G replaced by C.
Protein change: p.Gly82Arg; replaces glycine 82 with arginine.
Molecular consequence: missense variant. On other transcripts: intron variant (1).
Genome position (GRCh38, 1-based): chr3:58,205,547, C>G on the plus strand (G>C on the coding strand, the complement: DNASE1L3 is on the minus strand). VCF-style: chr3-58205547-C-G. GRCh37 (hg19) VCF-style: chr3-58191274-C-G.
Other names: c.231-666G>C (NM_001256560.2); short protein forms G82R.
Identifiers: ClinVar variation 196401 (VCV000196401.18), dbSNP rs74350392, ClinGen allele CA202354.

ClinVar aggregate classification (germline): Benign/Likely benign. Review status: criteria provided, multiple submitters, no conflicts (2 of 4 stars). 6 submissions from 6 submitters: Benign (4); Likely benign (2). Last evaluated 2026-02-01.

Allele frequency attached by ClinVar (database versions not stated): 1000 Genomes Project 0.00519; 1000 Genomes Project 30x 0.00593; TOPMed 0.00856; gnomAD 0.00936 and 0.00953; ESP Exome Variant Server 0.01007.

Submissions (6):

Labcorp Genetics (formerly Invitae), Labcorp
Classification: Benign. Last evaluated: 2026-02-01. Review status: criteria provided, single submitter. Criteria: Invitae Variant Classification Sherloc (09022015). Collection method: clinical testing. Allele origin: germline.

Women's Health and Genetics/Laboratory Corporation of America, LabCorp
Classification: Likely benign. Last evaluated: 2026-01-23. Review status: criteria provided, single submitter. Criteria: LabCorp Variant Classification Summary - May 2015. Collection method: clinical testing. Allele origin: germline.

Blueprint Genetics
Classification: Likely benign. Last evaluated: 2024-11-26. Review status: criteria provided, single submitter. Criteria: ACMG Guidelines, 2015. Collection method: clinical testing. Allele origin: germline.

Mayo Clinic Laboratories, Mayo Clinic
Classification: Benign. Last evaluated: 2024-03-18. Review status: criteria provided, single submitter. Criteria: ACMG Guidelines, 2015. Collection method: clinical testing. Allele origin: germline. Observed: 14 variant alleles.
Comment: BS1, BS2, BP4

Eurofins Ntd Llc (ga)
Classification: Benign. Last evaluated: 2014-03-03. Review status: criteria provided, single submitter. Criteria: EGL Classification Definitions 2015. Collection method: clinical testing. Allele origin: germline. Observed: 1 variant allele, 1 heterozygote.

Breakthrough Genomics
Classification: Benign. Review status: criteria provided, single submitter. Criteria: ACMG Guidelines, 2015. Collection method: not provided. Allele origin: germline. Inheritance: Autosomal recessive inheritance. Affected: yes.

Literature cited by the submitters: PubMed 21692081 (cited by Mayo Clinic Laboratories, Mayo Clinic); PubMed 24206041 (cited by Mayo Clinic Laboratories, Mayo Clinic).